The following is an entry in ClinVar:

NM_130810.4(DNAAF4):c.733C>T (p.Arg245Ter)

Genes: DNAAF4 (dynein axonemal assembly factor 4; minus strand), DNAAF4-CCPG1 (DNAAF4-CCPG1 readthrough (NMD candidate); minus strand). Cytogenetic location: 15q21.3.
Variant type: single nucleotide variant.
Coding change: c.733C>T on transcript NM_130810.4 (MANE Select); coding-DNA position 733, C replaced by T.
Protein change: p.Arg245Ter; replaces arginine 245 with a stop codon.
Molecular consequence: nonsense. On other transcripts: non-coding transcript variant (1).
Genome position (GRCh38, 1-based): chr15:55,450,272, G>A on the plus strand (C>T on the coding strand, the complement: DNAAF4 is on the minus strand). VCF-style: chr15-55450272-G-A. GRCh37 (hg19) VCF-style: chr15-55742470-G-A.
Other names: c.733C>T, p.Arg245Ter (NM_001033559.3, NM_001033560.2); short protein forms R245*.
Identifiers: ClinVar variation 988447 (VCV000988447.7), dbSNP rs748440695, ClinGen allele CA7574974.

ClinVar aggregate classification (germline): Pathogenic/Likely pathogenic. Review status: criteria provided, multiple submitters, no conflicts (2 of 4 stars). 2 submissions from 2 submitters: Pathogenic (1); Likely pathogenic (1). Last evaluated 2024-02-24.

Allele frequency attached by ClinVar (database versions not stated): gnomAD exomes below 0.00001; ExAC 0.00001; gnomAD 0.00001; TOPMed 0.00001.

Submissions (2):

Labcorp Genetics (formerly Invitae), Labcorp
Classification: Pathogenic. Last evaluated: 2024-02-24. Review status: criteria provided, single submitter. Criteria: Invitae Variant Classification Sherloc (09022015). Collection method: clinical testing. Allele origin: germline.
Comment: This sequence change creates a premature translational stop signal (p.Arg245*) in the DNAAF4 gene. It is expected to result in an absent or disrupted protein product. Loss-of-function variants in DNAAF4 are known to be pathogenic (PMID: 23872636). This variant is present in population databases (rs748440695, gnomAD 0.004%). This premature translational stop signal has been observed in individual(s) with primary ciliary dyskinesia (PMID: 35903363). ClinVar contains an entry for this variant (Variation ID: 988447). Algorithms developed to predict the effect of sequence changes on RNA splicing suggest that this variant may disrupt the consensus splice site. For these reasons, this variant has been classified as Pathogenic.

Clinical Genetics and Genomics, Karolinska University Hospital
Classification: Likely pathogenic. Last evaluated: 2020-03-16. Review status: criteria provided, single submitter. Criteria: ACMG Guidelines, 2015. Collection method: clinical testing. Allele origin: germline. Affected: yes. Observed: 1 variant allele.

Literature cited by the submitters: PubMed 23872636 (cited by Labcorp Genetics (formerly Invitae), Labcorp); PubMed 35903363 (cited by Labcorp Genetics (formerly Invitae), Labcorp).